The following is an entry in ClinVar:

NM_004963.4(GUCY2C):c.1151C>A (p.Thr384Asn)

Genes: GUCY2C (guanylate cyclase 2C; minus strand), GUCY2C-AS1 (GUCY2C antisense RNA 1; plus strand). Cytogenetic location: 12p12.3.
Variant type: single nucleotide variant.
Coding change: c.1151C>A on transcript NM_004963.4 (MANE Select); coding-DNA position 1151, C replaced by A.
Protein change: p.Thr384Asn; replaces threonine 384 with asparagine.
Molecular consequence: missense variant.
Genome position (GRCh38, 1-based): chr12:14,672,892, G>T on the plus strand (C>A on the coding strand, the complement: GUCY2C is on the minus strand). VCF-style: chr12-14672892-G-T. GRCh37 (hg19) VCF-style: chr12-14825826-G-T.
Other names: short protein forms T384N.
Identifiers: ClinVar variation 4776674 (VCV004776674.1).
Genomic context (GRCh38, chr12:14,672,892, plus strand): 5'-GTCACAGCACCCTGAATTTTCTGATAAGCAGTGAGACATACTTTCTTGGTGTCCACAGAG[G>T]TATACAGAAGCACCATGGTACTGTCAACATCCCCCCAGTCATCCAAGGTCACTGGACCGT-3'
Protein context (NP_004954.2, residues 374-394): DVDSTMVLLY[Thr384Asn]SVDTKKYKVL

ClinVar aggregate classification (germline): Uncertain significance (1 of 4 stars; one submission).

gnomAD v4.1: 1 of 1,599,964 alleles (0.000063%); highest among the groups gnomAD compares: African/African-American, 0.0013%; no homozygotes.

Submission:

Labcorp Genetics (formerly Invitae), Labcorp
Classification: Uncertain significance. Last evaluated: 2025-03-10. Review status: criteria provided, single submitter. Criteria: Invitae Variant Classification Sherloc (09022015). Collection method: clinical testing. Allele origin: germline.
Comment: This sequence change replaces threonine, which is neutral and polar, with asparagine, which is neutral and polar, at codon 384 of the GUCY2C protein (p.Thr384Asn). This variant is not present in population databases (gnomAD no frequency). This variant has not been reported in the literature in individuals affected with GUCY2C-related conditions. Invitae Evidence Modeling of protein sequence and biophysical properties (such as structural, functional, and spatial information, amino acid conservation, physicochemical variation, residue mobility, and thermodynamic stability) indicates that this missense variant is expected to disrupt GUCY2C protein function with a positive predictive value of 80%. In summary, the available evidence is currently insufficient to determine the role of this variant in disease. Therefore, it has been classified as a Variant of Uncertain Significance.